The following is an entry in ClinVar:

ClinVar aggregate classification (germline): Uncertain significance. Review status: criteria provided, multiple submitters, no conflicts (2 of 4 stars). 4 submissions from 4 submitters: Uncertain significance (4). Last evaluated 2025-06-07.

Conditions:
Meckel-Gruber syndrome. Also called: DYSENCEPHALIA SPLANCHNOCYSTICA; GRUBER SYNDROME; Dysencephalia splachnocystica. Identifiers: Orphanet 564, MedGen C0265215, MONDO:0018921.
Joubert syndrome. Also called: Familial aplasia of the vermis; JOUBERT-BOLTSHAUSER SYNDROME. Identifiers: Orphanet 475, MedGen C5979921, MONDO:0018772.
Joubert syndrome 24 (JBTS24). Identifiers: Orphanet 475, MedGen C4084841, MONDO:0014724, OMIM 616654.
Meckel syndrome, type 8. Identifiers: Orphanet 564, MedGen C3836857, MONDO:0013482, OMIM 613885.

Allele frequency attached by ClinVar (database versions not stated): gnomAD 0.00002; gnomAD exomes 0.00004 and 0.00008; TOPMed 0.00006; ExAC 0.00007.
gnomAD v4.1: 75 of 1,613,978 alleles (0.0046%); highest among the groups gnomAD compares: Admixed American, 0.015%; no homozygotes.

Submissions (4):

Labcorp Genetics (formerly Invitae), Labcorp
Classification: Uncertain significance for Joubert syndrome; Meckel-Gruber syndrome. Last evaluated: 2025-06-07. Review status: criteria provided, single submitter. Criteria: Invitae Variant Classification Sherloc (09022015). Collection method: clinical testing. Allele origin: germline.
Comment: This sequence change replaces glutamic acid, which is acidic and polar, with lysine, which is basic and polar, at codon 605 of the TCTN2 protein (p.Glu605Lys). This variant is present in population databases (rs768079186, gnomAD 0.08%). This variant has not been reported in the literature in individuals affected with TCTN2-related conditions. ClinVar contains an entry for this variant (Variation ID: 1512029). Invitae Evidence Modeling of protein sequence and biophysical properties (such as structural, functional, and spatial information, amino acid conservation, physicochemical variation, residue mobility, and thermodynamic stability) indicates that this missense variant is expected to disrupt TCTN2 protein function with a positive predictive value of 80%. Algorithms developed to predict the effect of sequence changes on RNA splicing suggest that this variant may create or strengthen a splice site. In summary, the available evidence is currently insufficient to determine the role of this variant in disease. Therefore, it has been classified as a Variant of Uncertain Significance.

Fulgent Genetics
Classification: Uncertain significance for Meckel syndrome, type 8; Joubert syndrome 24. Last evaluated: 2024-02-09. Review status: criteria provided, single submitter. Criteria: ACMG Guidelines, 2015. Collection method: clinical testing. Allele origin: germline.

CeGaT Center for Human Genetics Tuebingen
Classification: Uncertain significance. Last evaluated: 2023-02-01. Review status: criteria provided, single submitter. Criteria: CeGaT Center For Human Genetics Tuebingen Variant Classification Criteria Version 2. Collection method: clinical testing. Allele origin: germline. Affected: yes. Observed: 1 variant allele.
Comment: TCTN2: PM2:Supporting, BP4

Women's Health and Genetics/Laboratory Corporation of America, LabCorp
Classification: Uncertain significance. Last evaluated: 2022-06-29. Review status: criteria provided, single submitter. Criteria: LabCorp Variant Classification Summary - May 2015. Collection method: clinical testing. Allele origin: germline.
Comment: Variant summary: TCTN2 c.1813G>A (p.Glu605Lys) results in a conservative amino acid change in the encoded protein sequence. Four of five in-silico tools predict a benign effect of the variant on protein function. The variant allele was found at a frequency of 8.4e-05 in 251492 control chromosomes (gnomAD). This frequency is not significantly higher than expected for a pathogenic variant in TCTN2 causing Joubert Syndrome And Related Disorders (8.4e-05 vs 0.0004), allowing no conclusion about variant significance. To our knowledge, no occurrence of c.1813G>A in individuals affected with Joubert Syndrome And Related Disorders and no experimental evidence demonstrating its impact on protein function have been reported. One clinical diagnostic laboratory has submitted a clinical-significance assessment for this variant to ClinVar after 2014 and classified the variant as uncertain significance. Based on the evidence outlined above, the variant was classified as uncertain significance.

NM_024809.5(TCTN2):c.1813G>A (p.Glu605Lys)

Gene: TCTN2 (tectonic family member 2; plus strand). Cytogenetic location: 12q24.31.
Variant type: single nucleotide variant.
Coding change: c.1813G>A on transcript NM_024809.5 (MANE Select); coding-DNA position 1813, G replaced by A.
Protein change: p.Glu605Lys; replaces glutamic acid 605 with lysine.
Molecular consequence: missense variant.
Genome position (GRCh38, 1-based): chr12:123,706,769, G>A. VCF-style: chr12-123706769-G-A. GRCh37 (hg19) VCF-style: chr12-124191316-G-A.
Other names: c.1810G>A, p.Glu604Lys (NM_001143850.3); short protein forms E605K, E604K.
Identifiers: ClinVar variation 1512029 (VCV001512029.31), dbSNP rs768079186, ClinGen allele CA6861352.